The following is an entry in ClinVar:

NM_015909.4(NBAS):c.4381A>G (p.Thr1461Ala)

Gene: NBAS (NBAS subunit of NRZ tethering complex; minus strand). Cytogenetic location: 2p24.3.
Variant type: single nucleotide variant.
Coding change: c.4381A>G on transcript NM_015909.4 (MANE Select); coding-DNA position 4381, A replaced by G.
Protein change: p.Thr1461Ala; replaces threonine 1461 with alanine.
Molecular consequence: missense variant. On other transcripts: non-coding transcript variant (1).
Genome position (GRCh38, 1-based): chr2:15,328,279, T>C on the plus strand (A>G on the coding strand, the complement: NBAS is on the minus strand). VCF-style: chr2-15328279-T-C. GRCh37 (hg19) VCF-style: chr2-15468403-T-C.
Other names: short protein forms T1461A.
Identifiers: ClinVar variation 2049928 (VCV002049928.4), dbSNP rs2528409060, ClinGen allele CA345895923.

ClinVar aggregate classification (germline): Uncertain significance (1 of 4 stars; one submission).

Submission:

Labcorp Genetics (formerly Invitae), Labcorp
Classification: Uncertain significance. Last evaluated: 2021-12-20. Review status: criteria provided, single submitter. Criteria: Invitae Variant Classification Sherloc (09022015). Collection method: clinical testing. Allele origin: germline.
Comment: This sequence change replaces threonine, which is neutral and polar, with alanine, which is neutral and non-polar, at codon 1461 of the NBAS protein (p.Thr1461Ala). This variant is not present in population databases (gnomAD no frequency). This variant has not been reported in the literature in individuals affected with NBAS-related conditions. Algorithms developed to predict the effect of missense changes on protein structure and function output the following: SIFT: "Deleterious"; PolyPhen-2: "Benign"; Align-GVGD: "Class C55". The alanine amino acid residue is found in multiple mammalian species, which suggests that this missense change does not adversely affect protein function. In summary, the available evidence is currently insufficient to determine the role of this variant in disease. Therefore, it has been classified as a Variant of Uncertain Significance.